The following is an entry in ClinVar:

NM_003238.6(TGFB2):c.556G>A (p.Asp186Asn)

Gene: TGFB2 (transforming growth factor beta 2; plus strand). Cytogenetic location: 1q41.
Variant type: single nucleotide variant.
Coding change: c.556G>A on transcript NM_003238.6 (MANE Select); coding-DNA position 556, G replaced by A.
Protein change: p.Asp186Asn; replaces aspartic acid 186 with asparagine.
Molecular consequence: missense variant. On other transcripts: non-coding transcript variant (2).
Genome position (GRCh38, 1-based): chr1:218,434,127, G>A. VCF-style: chr1-218434127-G-A. GRCh37 (hg19) VCF-style: chr1-218607469-G-A.
Other names: c.640G>A, p.Asp214Asn (NM_001135599.4); short protein forms D186N, D214N.
Identifiers: ClinVar variation 1162907 (VCV001162907.15), dbSNP rs766536496, ClinGen allele CA1398542.

ClinVar aggregate classification (germline): Conflicting classifications of pathogenicity. Review status: criteria provided, conflicting classifications (1 of 4 stars). 5 submissions from 5 submitters: Uncertain significance (4); Likely benign (1). Last evaluated 2025-09-27.

Conditions:
Loeys-Dietz syndrome 4 (LDS4). Also called: TGFB2-Related Loeys-Dietz Syndrome; ANEURYSM, AORTIC AND CEREBRAL, WITH ARTERIAL TORTUOSITY AND SKELETAL MANIFESTATIONS. Identifiers: MedGen C3553762, MONDO:0013897, OMIM 614816.
Familial thoracic aortic aneurysm and aortic dissection (TAAD). Also called: Thoracic aortic aneurysms and dissections. Identifiers: Orphanet 91387, MedGen C4707243, MONDO:0019625.

Allele frequency attached by ClinVar (database versions not stated): gnomAD 0.00001 and 0.00008; gnomAD exomes 0.00001 and 0.00002; ExAC 0.00003; TOPMed 0.00008.
gnomAD v4.1: 26 of 1,613,924 alleles (0.0016%); highest among the groups gnomAD compares: South Asian, 0.0011%; no homozygotes.

Submissions (5):

Ambry Genetics
Classification: Uncertain significance for Familial thoracic aortic aneurysm and aortic dissection. Last evaluated: 2025-09-27. Review status: criteria provided, single submitter. Criteria: Ambry Variant Classification Scheme 2023. Collection method: clinical testing. Allele origin: germline.

GeneDx
Classification: Uncertain significance. Last evaluated: 2025-01-28. Review status: criteria provided, single submitter. Criteria: GeneDx Variant Classification Process June 2021. Collection method: clinical testing. Allele origin: germline. Affected: yes.
Comment: Not observed at significant frequency in large population cohorts (gnomAD); In silico analysis indicates that this missense variant does not alter protein structure/function; Has not been previously published as pathogenic or benign to our knowledge

Labcorp Genetics (formerly Invitae), Labcorp
Classification: Uncertain significance for Loeys-Dietz syndrome 4. Last evaluated: 2024-06-22. Review status: criteria provided, single submitter. Criteria: Invitae Variant Classification Sherloc (09022015). Collection method: clinical testing. Allele origin: germline.
Comment: This sequence change replaces aspartic acid, which is acidic and polar, with asparagine, which is neutral and polar, at codon 186 of the TGFB2 protein (p.Asp186Asn). This variant is present in population databases (rs766536496, gnomAD 0.004%). This variant has not been reported in the literature in individuals affected with TGFB2-related conditions. ClinVar contains an entry for this variant (Variation ID: 1162907). Advanced modeling of protein sequence and biophysical properties (such as structural, functional, and spatial information, amino acid conservation, physicochemical variation, residue mobility, and thermodynamic stability) performed at Invitae indicates that this missense variant is not expected to disrupt TGFB2 protein function with a negative predictive value of 80%. In summary, the available evidence is currently insufficient to determine the role of this variant in disease. Therefore, it has been classified as a Variant of Uncertain Significance.

Blueprint Genetics
Classification: Likely benign. Last evaluated: 2023-06-02. Review status: criteria provided, single submitter. Criteria: ACMG Guidelines, 2015. Collection method: clinical testing. Allele origin: germline.

Mayo Clinic Laboratories, Mayo Clinic
Classification: Uncertain significance. Last evaluated: 2020-07-08. Review status: criteria provided, single submitter. Criteria: ACMG Guidelines, 2015. Collection method: clinical testing. Allele origin: germline. Observed: 1 variant allele.